The following is an entry in ClinVar:

ClinVar aggregate classification (germline): Likely benign (1 of 4 stars; one submission).

Allele frequency attached by ClinVar (database versions not stated): gnomAD 0.00001; TOPMed 0.00002.
gnomAD v4.1: 158 of 1,614,058 alleles (0.0098%); highest among the groups gnomAD compares: Non-Finnish European, 0.013%; no homozygotes.

Submission:

CeGaT Center for Human Genetics Tuebingen
Classification: Likely benign. Last evaluated: 2022-07-01. Review status: criteria provided, single submitter. Criteria: CeGaT Center For Human Genetics Tuebingen Variant Classification Criteria Version 2. Collection method: clinical testing. Allele origin: germline. Affected: yes. Observed: 1 variant allele.
Comment: SLC4A5: BP4, BP7

NM_133478.3(SLC4A5):c.2028C>G (p.Thr676=)

Gene: SLC4A5 (solute carrier family 4 member 5; minus strand). Cytogenetic location: 2p13.1.
Variant type: single nucleotide variant.
Coding change: c.2028C>G on transcript NM_133478.3 (MANE Select); coding-DNA position 2028, C replaced by G.
Protein change: p.Thr676=; no amino-acid change (threonine 676 retained).
Molecular consequence: synonymous variant.
Genome position (GRCh38, 1-based): chr2:74,247,067, G>C on the plus strand (C>G on the coding strand, the complement: SLC4A5 is on the minus strand). VCF-style: chr2-74247067-G-C. GRCh37 (hg19) VCF-style: chr2-74474194-G-C.
Other names: c.1680C>G, p.Thr560= (NM_001386136.1); c.2028C>G, p.Thr676= (NM_021196.3).
Identifiers: ClinVar variation 2651064 (VCV002651064.24), dbSNP rs777699118, ClinGen allele CA1720636.